The following is an entry in ClinVar:

ClinVar aggregate classification (germline): Uncertain significance. Review status: criteria provided, multiple submitters, no conflicts (2 of 4 stars). 2 submissions from 2 submitters: Uncertain significance (2). Last evaluated 2025-08-17.

Conditions:
Emery-Dreifuss muscular dystrophy 5, autosomal dominant (EDMD5). Also called: EMERY-DREIFUSS MUSCULAR DYSTROPHY 5. Identifiers: Orphanet 261, MedGen C2751805, MONDO:0013072, OMIM 612999.

Allele frequency attached by ClinVar (database versions not stated): TOPMed 0.00002.
gnomAD v4.1: 23 of 1,613,748 alleles (0.0014%); highest among the groups gnomAD compares: East Asian, 0.0045%; no homozygotes.

Submissions (2):

Labcorp Genetics (formerly Invitae), Labcorp
Classification: Uncertain significance for Emery-Dreifuss muscular dystrophy 5, autosomal dominant. Last evaluated: 2025-08-17. Review status: criteria provided, single submitter. Criteria: Invitae Variant Classification Sherloc (09022015). Collection method: clinical testing. Allele origin: germline.
Comment: This sequence change replaces arginine, which is basic and polar, with glutamine, which is neutral and polar, at codon 3643 of the SYNE2 protein (p.Arg3643Gln). This variant is present in population databases (rs748433814, gnomAD 0.01%). This variant has not been reported in the literature in individuals affected with SYNE2-related conditions. ClinVar contains an entry for this variant (Variation ID: 565502). An algorithm developed to predict the effect of missense changes on protein structure and function (PolyPhen-2) suggests that this variant is likely to be disruptive. In summary, the available evidence is currently insufficient to determine the role of this variant in disease. Therefore, it has been classified as a Variant of Uncertain Significance.

Ambry Genetics
Classification: Uncertain significance. Last evaluated: 2023-11-09. Review status: criteria provided, single submitter. Criteria: Ambry Variant Classification Scheme 2023. Collection method: clinical testing. Allele origin: germline.

NM_182914.3(SYNE2):c.10928G>A (p.Arg3643Gln)

Gene: SYNE2 (spectrin repeat containing nuclear envelope protein 2; plus strand). Cytogenetic location: 14q23.2.
Variant type: single nucleotide variant.
Coding change: c.10928G>A on transcript NM_182914.3 (MANE Select); coding-DNA position 10928, G replaced by A.
Protein change: p.Arg3643Gln; replaces arginine 3643 with glutamine.
Molecular consequence: missense variant.
Genome position (GRCh38, 1-based): chr14:64,076,006, G>A. VCF-style: chr14-64076006-G-A. GRCh37 (hg19) VCF-style: chr14-64542724-G-A.
Other names: c.10928G>A, p.Arg3643Gln (NM_015180.6); short protein forms R3643Q.
Identifiers: ClinVar variation 565502 (VCV000565502.10), dbSNP rs748433814, ClinGen allele CA7221651.